The following is an entry in ClinVar:

NM_152296.5(ATP1A3):c.1909C>T (p.Arg637Trp)

Gene: ATP1A3 (ATPase Na+/K+ transporting subunit alpha 3; minus strand). Cytogenetic location: 19q13.2.
Variant type: single nucleotide variant.
Coding change: c.1909C>T on transcript NM_152296.5 (MANE Select); coding-DNA position 1909, C replaced by T.
Protein change: p.Arg637Trp; replaces arginine 637 with tryptophan.
Molecular consequence: missense variant.
Genome position (GRCh38, 1-based): chr19:41,977,970, G>A on the plus strand (C>T on the coding strand, the complement: ATP1A3 is on the minus strand). VCF-style: chr19-41977970-G-A. GRCh37 (hg19) VCF-style: chr19-42482122-G-A.
Other names: c.1942C>T, p.Arg648Trp (NM_001256213.2); c.1948C>T, p.Arg650Trp (NM_001256214.2); c.1909C>T (NM_152296.3, NM_152296.4); short protein forms R637W, R648W, R650W.
Identifiers: ClinVar variation 3719294 (VCV003719294.4).

ClinVar aggregate classification (germline): Uncertain significance. Review status: criteria provided, multiple submitters, no conflicts (2 of 4 stars). 3 submissions from 3 submitters: Uncertain significance (3). Last evaluated 2025-04-02.

Conditions:
Dystonia 12 (DYT12). Also called: Rapid-Onset Dystonia-Parkinsonism (RDP); DYT-ATP1A3. Identifiers: Orphanet 71517, MedGen C1868681, MONDO:0007496, OMIM 128235.
Inborn genetic diseases. Identifiers: MedGen C0950123, MeSH D030342.

gnomAD v4.1: 4 of 1,614,238 alleles (0.00025%); highest among the groups gnomAD compares: Admixed American, 0.0017%; no homozygotes.

Submissions (3):

Ambry Genetics
Classification: Uncertain significance for Inborn genetic diseases. Last evaluated: 2025-04-02. Review status: criteria provided, single submitter. Criteria: Ambry Variant Classification Scheme 2023. Collection method: clinical testing. Allele origin: germline.

GeneDx
Classification: Uncertain significance. Last evaluated: 2025-01-08. Review status: criteria provided, single submitter. Criteria: GeneDx Variant Classification Process June 2021. Collection method: clinical testing. Allele origin: germline. Affected: yes.
Comment: Not observed at significant frequency in large population cohorts (gnomAD); In silico analysis supports that this missense variant has a deleterious effect on protein structure/function; Has not been previously published as pathogenic or benign to our knowledge

Labcorp Genetics (formerly Invitae), Labcorp
Classification: Uncertain significance for Dystonia 12. Last evaluated: 2024-04-27. Review status: criteria provided, single submitter. Criteria: Invitae Variant Classification Sherloc (09022015). Collection method: clinical testing. Allele origin: germline.
Comment: This sequence change replaces arginine, which is basic and polar, with tryptophan, which is neutral and slightly polar, at codon 637 of the ATP1A3 protein (p.Arg637Trp). This variant is present in population databases (no rsID available, gnomAD 0.0009%). This variant has not been reported in the literature in individuals affected with ATP1A3-related conditions. Advanced modeling of protein sequence and biophysical properties (such as structural, functional, and spatial information, amino acid conservation, physicochemical variation, residue mobility, and thermodynamic stability) performed at Invitae indicates that this missense variant is expected to disrupt ATP1A3 protein function with a positive predictive value of 95%. In summary, the available evidence is currently insufficient to determine the role of this variant in disease. Therefore, it has been classified as a Variant of Uncertain Significance.